The following is an entry in ClinVar:

ClinVar aggregate classification (germline): Uncertain significance (1 of 4 stars; one submission).

Conditions:
Familial adenomatous polyposis 1 (FAP1). Also called: POLYPOSIS, ADENOMATOUS INTESTINAL; FAMILIAL ADENOMATOUS POLYPOSIS 1, ATTENUATED. Identifiers: MedGen C2713442, MONDO:0021056, OMIM 175100. Disease mechanism: loss of function.

Submission:

Labcorp Genetics (formerly Invitae), Labcorp
Classification: Uncertain significance for Familial adenomatous polyposis 1. Last evaluated: 2021-11-08. Review status: criteria provided, single submitter. Criteria: Invitae Variant Classification Sherloc (09022015). Collection method: clinical testing. Allele origin: germline.
Comment: This sequence change replaces glutamic acid, which is acidic and polar, with lysine, which is basic and polar, at codon 1309 of the APC protein (p.Glu1309Lys). This variant is not present in population databases (gnomAD no frequency). This variant has not been reported in the literature in individuals affected with APC-related conditions. ClinVar contains an entry for this variant (Variation ID: 571555). Algorithms developed to predict the effect of missense changes on protein structure and function (SIFT, PolyPhen-2, Align-GVGD) all suggest that this variant is likely to be tolerated. In summary, the available evidence is currently insufficient to determine the role of this variant in disease. Therefore, it has been classified as a Variant of Uncertain Significance.

NM_000038.6(APC):c.3925G>A (p.Glu1309Lys)

Gene: APC (APC regulator of Wnt signaling pathway; plus strand). Cytogenetic location: 5q22.2.
Variant type: single nucleotide variant.
Coding change: c.3925G>A on transcript NM_000038.6 (MANE Select); coding-DNA position 3925, G replaced by A.
Protein change: p.Glu1309Lys; replaces glutamic acid 1309 with lysine.
Molecular consequence: missense variant.
Genome position (GRCh38, 1-based): chr5:112,839,519, G>A. VCF-style: chr5-112839519-G-A. GRCh37 (hg19) VCF-style: chr5-112175216-G-A.
Other names: c.3802G>A, p.Glu1268Lys (NM_001354900.2); c.3748G>A, p.Glu1250Lys (NM_001354901.2); c.3445G>A, p.Glu1149Lys (NM_001354905.2); c.3652G>A, p.Glu1218Lys (NM_001354902.2); c.3547G>A, p.Glu1183Lys (NM_001354904.2); c.3622G>A, p.Glu1208Lys (NM_001354903.2); c.3076G>A, p.Glu1026Lys (NM_001354906.2); c.3979G>A, p.Glu1327Lys (NM_001354896.2); and 5 more; short protein forms E1309K, E1291K, E1183K, E1208K, E1284K, E1327K, E1026K, E1149K.
Identifiers: ClinVar variation 571555 (VCV000571555.8), dbSNP rs1321583762, ClinGen allele CA16029945.